The following is an entry in ClinVar:

NM_024529.5(CDC73):c.1304T>C (p.Met435Thr)

Gene: CDC73 (cell division cycle 73; plus strand). Cytogenetic location: 1q31.2.
Variant type: single nucleotide variant.
Coding change: c.1304T>C on transcript NM_024529.5 (MANE Select); coding-DNA position 1304, T replaced by C.
Protein change: p.Met435Thr; replaces methionine 435 with threonine.
Molecular consequence: missense variant.
Genome position (GRCh38, 1-based): chr1:193,233,142, T>C. VCF-style: chr1-193233142-T-C. GRCh37 (hg19) VCF-style: chr1-193202272-T-C.
Other names: short protein forms M435T.
Identifiers: ClinVar variation 41848 (VCV000041848.19), dbSNP rs202209013, ClinGen allele CA215914.
Genomic context (GRCh38, chr1:193,233,142, plus strand): 5'-GGGGCACTGCAATTAGTGTTACAGTACCTTATAGAGTAGTAGACCAGCCCCTTAAACTTA[T>C]GCCTCAAGACTGGTAAGATAGTCTCTATATATATATCTTTTCACAGGTGTTGAACCCAAG-3'
Protein context (NP_078805.3, residues 425-445): YRVVDQPLKL[Met435Thr]PQDWDRVVAV

ClinVar aggregate classification (germline): Conflicting classifications of pathogenicity. Review status: criteria provided, conflicting classifications (1 of 4 stars). 8 submissions from 8 submitters: Uncertain significance (5); Benign (1); Likely benign (1). 1 of the submissions does not count toward it. Last evaluated 2025-11-27.

Conditions:
Hyperparathyroidism 1 (HRPT1). Also called: HYPERPARATHYROIDISM, FAMILIAL ISOLATED PRIMARY. Identifiers: Orphanet 99879, MedGen C1840402, MONDO:0007767, OMIM 145000.
Hyperparathyroidism 2 with jaw tumors. Also called: Hyperparathyroidism 2; HYPERPARATHYROIDISM, FAMILIAL PRIMARY, WITH MULTIPLE OSSIFYING JAW FIBROMAS; HYPERPARATHYROIDISM-JAW TUMOR SYNDROME, HEREDITARY; Hyperparathyroidism-Jaw Tumor Syndrome. Identifiers: Orphanet 99880, MedGen C1704981, MONDO:0007768, OMIM 145001.
Parathyroid carcinoma (PRTC). Also called: Parathyroid gland carcinoma; CDC73-Related Parathyroid Carcinoma. Identifiers: Orphanet 143, MedGen C0687150, MONDO:0012004, OMIM 608266, HP:0006780.
Hereditary cancer-predisposing syndrome. Also called: Tumor predisposition; Neoplastic Syndromes, Hereditary; Hereditary neoplastic syndrome; Hereditary Cancer Syndrome. Identifiers: Orphanet 140162, MedGen C0027672, MeSH D009386, MONDO:0015356.
Ovarian cancer. Also called: OVARIAN CANCER, SOMATIC. Identifiers: Orphanet 213500, MedGen C1140680, MONDO:0008170, OMIM 167000.

Allele frequency attached by ClinVar (database versions not stated): ExAC 0.00002; gnomAD exomes 0.00002; gnomAD 0.00003; TOPMed 0.00003.

Submissions (8):

Labcorp Genetics (formerly Invitae), Labcorp
Classification: Uncertain significance for Parathyroid carcinoma. Last evaluated: 2025-11-27. Review status: criteria provided, single submitter. Criteria: Invitae Variant Classification Sherloc (09022015). Collection method: clinical testing. Allele origin: germline.
Comment: This sequence change replaces methionine, which is neutral and non-polar, with threonine, which is neutral and polar, at codon 435 of the CDC73 protein (p.Met435Thr). This variant is present in population databases (rs202209013, gnomAD 0.01%). This missense change has been observed in individual(s) with hereditary breast and ovarian cancer susceptibility (PMID: 30262796). ClinVar contains an entry for this variant (Variation ID: 41848). Invitae Evidence Modeling of protein sequence and biophysical properties (such as structural, functional, and spatial information, amino acid conservation, physicochemical variation, residue mobility, and thermodynamic stability) indicates that this missense variant is not expected to disrupt CDC73 protein function with a negative predictive value of 80%. In summary, the available evidence is currently insufficient to determine the role of this variant in disease. Therefore, it has been classified as a Variant of Uncertain Significance.

Baylor Genetics
Classification: Uncertain significance for Hyperparathyroidism 1. Last evaluated: 2023-09-28. Review status: criteria provided, single submitter. Criteria: ACMG Guidelines, 2015. Collection method: clinical testing. Allele origin: unknown.

GeneDx
Classification: Uncertain significance. Last evaluated: 2023-09-13. Review status: criteria provided, single submitter. Criteria: GeneDx Variant Classification Process June 2021. Collection method: clinical testing. Allele origin: germline. Affected: yes.
Comment: In silico analysis supports that this missense variant does not alter protein structure/function; Observed in individuals with a personal and/or family history of breast and/or ovarian cancer (Quezada Urban et al., 2018); This variant is associated with the following publications: (PMID: 15923622, 30262796, 22703879)

Ambry Genetics
Classification: Likely benign for Hereditary cancer-predisposing syndrome. Last evaluated: 2022-04-19. Review status: criteria provided, single submitter. Criteria: Ambry Variant Classification Scheme 2023. Collection method: clinical testing. Allele origin: germline.

Fulgent Genetics
Classification: Uncertain significance for Hyperparathyroidism 1; Hyperparathyroidism 2 with jaw tumors; Parathyroid carcinoma. Last evaluated: 2022-01-02. Review status: criteria provided, single submitter. Criteria: ACMG Guidelines, 2015. Collection method: clinical testing. Allele origin: unknown.

Laboratory of Molecular Epidemiology of Birth Defects, West China Second University Hospital, Sichuan University
Classification: Benign for Ovarian cancer. Last evaluated: 2022-01-01. Review status: criteria provided, single submitter. Criteria: ACMG Guidelines, 2015. Collection method: clinical testing. Allele origin: germline. Affected: yes.

Blueprint Genetics
Classification: Uncertain significance. Last evaluated: 2020-08-28. Review status: criteria provided, single submitter. Criteria: ACMG Guidelines, 2015. Collection method: clinical testing. Allele origin: germline.

Biesecker Lab/Clinical Genomics Section, National Institutes of Health
Classification: Uncertain significance. Last evaluated: 2012-07-13. Review status: no assertion criteria provided. Collection method: research. Allele origin: germline. Affected: no. Observed: 1 variant allele. Study: ClinSeq. Not counted in ClinVar's aggregate classification.
ClinVar note: Converted during submission from variant of unknown significance to Uncertain significance.

Literature cited by the submitters: PubMed 30262796 (cited by Labcorp Genetics (formerly Invitae), Labcorp and Ambry Genetics).